The following is an entry in ClinVar:

ClinVar aggregate classification (germline): Conflicting classifications of pathogenicity. Review status: criteria provided, conflicting classifications (1 of 4 stars). 10 submissions from 10 submitters: Likely pathogenic (5); Uncertain significance (4). 1 of the submissions does not count toward it. Last evaluated 2026-04-14.

Conditions:
ABCB11-related disorder. Also called: ABCB11-related condition.
Familial intrahepatic cholestasis. Identifiers: Orphanet 284385, MedGen CN296401, MONDO:0017290.
Progressive familial intrahepatic cholestasis (PFIC). Also called: Progressive family intrahepatic cholestasis; Progressive intrahepatic cholestasis. Identifiers: Orphanet 172, MedGen C0268312, MONDO:0015762.
Progressive familial intrahepatic cholestasis type 2. Identifiers: Orphanet 79304, MedGen C3489789, MONDO:0011156, OMIM 601847.
Benign recurrent intrahepatic cholestasis type 2 (BRIC2). Also called: Recurrent familial intrahepatic cholestasis 2. Identifiers: Orphanet 65682, Orphanet 99961, MedGen C2608083, MONDO:0011559, OMIM 605479.

Allele frequency attached by ClinVar (database versions not stated): TOPMed below 0.00001; gnomAD exomes 0.00001.
gnomAD v4.1: 4 of 1,567,028 alleles (0.00026%); highest among the groups gnomAD compares: Non-Finnish European, 0.00035%; no homozygotes.

Submissions (10):

Genomenon, Inc
Classification: Uncertain significance for Familial intrahepatic cholestasis. Last evaluated: 2026-04-14. Review status: criteria provided, single submitter. Criteria: Genomenon Sequence Variant Interpretation Standards - Updated. Collection method: curation. Allele origin: germline. Affected: yes.
Comment: ABCB11 p.Ser699Pro (c.2095T>C) is a missense variant that changes the amino acid at residue 699 from Serine to Proline. This variant has been observed in at least one proband with an ABCB11-related disorder (PMID:32860008;32087350;20232290). It has been observed in trans with a pathogenic or likely pathogenic variant (PMID:20232290). It is absent or not present at a significant frequency in gnomAD. In conclusion, we classify ABCB11 p.Ser699Pro (c.2095T>C) as a variant of uncertain significance.

Broad Center for Mendelian Genomics, Broad Institute of MIT and Harvard
Classification: Uncertain significance for Progressive familial intrahepatic cholestasis type 2. Last evaluated: 2025-01-24. Review status: criteria provided, single submitter. Criteria: ACMG Guidelines, 2015. Collection method: curation. Allele origin: germline. Inheritance: Autosomal recessive inheritance.
Comment: The p.Ser699Pro variant in ABCB11 has been reported in 3 individuals with BSEP deficiency (PMID: 20232290, 32860008, doi.org_10.33612_diss.133430251), and has been identified in 0.0003% (4/324428) of European (non-Finnish) chromosomes by the Genome Aggregation Database (gnomAD; dbSNP rs867525294). Although this variant has been seen in the general population in a heterozygous state, its frequency is low enough to be consistent with a recessive carrier frequency. This variant has also been reported in ClinVar (Variation ID: 595385) and has been interpreted as likely pathogenic by Centogene AG, Women's Health and Genetics/Laboratory Corporation of America, LabCorp, and Baylor Genetics, and a variant of uncertain significance by Eurofins Ntd Llc, Invitae, PreventionGenetics, and Natera. Of the 3 affected individuals, 2 were compound heterozygotes that carried a reported pathogenic/likely pathogenic variant in trans, and 1 was a homozygote, which increases the likelihood that the p.Ser699Pro variant is pathogenic (PMID: 20232290, 32860008, doi.org_10.33612_diss.133430251, Variation ID: 6590). Computational prediction tools and conservation analyses do not provide strong support for or against an impact to the protein. In summary, the clinical significance of the p.Ser699Pro variant is uncertain. ACMG/AMP Criteria applied: PM3_strong, PM2_supporting (Richards 2015).

Natera, Inc.
Classification: Likely pathogenic for Progressive familial intrahepatic cholestasis type 2. Last evaluated: 2024-10-03. Review status: criteria provided, single submitter. Criteria: Natera Variant Classification Schema (03/2026). Collection method: clinical testing. Allele origin: germline.
Comment: The c.2095T>C variant in ABCB11 is a missense variant predicted to cause substitution of serine to proline at amino acid 699. This variant is rare in the general population with a frequency below the threshold expected for the associated phenotype(s). This variant has been observed in one or more individuals affected with the associated recessive disease, as either homozygous or compound heterozygous with a second variant (PMID: 20232290, 32860008, 32087350). Computational prediction algorithms indicate this variant is likely to affect gene or protein function. Given the available evidence, this variant is classified as Likely Pathogenic.

Fulgent Genetics
Classification: Likely pathogenic for Progressive familial intrahepatic cholestasis type 2; Benign recurrent intrahepatic cholestasis type 2. Last evaluated: 2024-05-18. Review status: criteria provided, single submitter. Criteria: ACMG Guidelines, 2015. Collection method: clinical testing. Allele origin: germline.

Baylor Genetics
Classification: Likely pathogenic for Benign recurrent intrahepatic cholestasis type 2. Last evaluated: 2023-06-15. Review status: criteria provided, single submitter. Criteria: ACMG Guidelines, 2015. Collection method: clinical testing. Allele origin: unknown.

Labcorp Genetics (formerly Invitae), Labcorp
Classification: Uncertain significance. Last evaluated: 2022-08-23. Review status: criteria provided, single submitter. Criteria: Invitae Variant Classification Sherloc (09022015). Collection method: clinical testing. Allele origin: germline.
Comment: This sequence change replaces serine, which is neutral and polar, with proline, which is neutral and non-polar, at codon 699 of the ABCB11 protein (p.Ser699Pro). The frequency data for this variant in the population databases is considered unreliable, as metrics indicate poor data quality at this position in the gnomAD database. This missense change has been observed in individual(s) with progressive familial intrahepatic cholestasis type 2 (PMID: 20232290). ClinVar contains an entry for this variant (Variation ID: 595385). Advanced modeling of protein sequence and biophysical properties (such as structural, functional, and spatial information, amino acid conservation, physicochemical variation, residue mobility, and thermodynamic stability) performed at Invitae indicates that this missense variant is not expected to disrupt ABCB11 protein function. In summary, the available evidence is currently insufficient to determine the role of this variant in disease. Therefore, it has been classified as a Variant of Uncertain Significance.

Women's Health and Genetics/Laboratory Corporation of America, LabCorp
Classification: Likely pathogenic for Progressive familial intrahepatic cholestasis. Last evaluated: 2022-05-20. Review status: criteria provided, single submitter. Criteria: LabCorp Variant Classification Summary - May 2015. Collection method: clinical testing. Allele origin: germline.
Comment: Variant summary: ABCB11 c.2095T>C (p.Ser699Pro) results in a non-conservative amino acid change in the encoded protein sequence. Three of five in-silico tools predict a damaging effect of the variant on protein function. The variant allele was found at a frequency of 5.5e-06 in 182556 control chromosomes. c.2095T>C has been reported in the literature as homozygous and compound heterozygous genotype in individuals affected with features of Familial Intrahepatic Cholestasis/Bile Salt Export Pump (BSEP) deficiency (example, Davit-Spraul_2010, van Wessel_2020, Bertoli-Avella_2021). These data indicate that the variant is likely to be associated with disease. To our knowledge, no experimental evidence demonstrating an impact on protein function has been reported. Three clinical diagnostic laboratories have submitted clinical-significance assessments for this variant to ClinVar after 2014 without evidence for independent evaluation. All laboratories classified the variant as uncertain significance. At-least one submitter cites overlapping but not all inclusive evidence utilized in the context of this evaluation. Based on the evidence outlined above, the variant was classified as likely pathogenic.

Eurofins Ntd Llc (ga)
Classification: Uncertain significance. Last evaluated: 2017-12-14. Review status: criteria provided, single submitter. Criteria: EGL Classification Definitions 2015. Collection method: clinical testing. Allele origin: germline. Observed: 1 variant allele, 1 heterozygote.

CENTOGENE GmbH and LLC - Guiding Precision Medicine
Classification: Likely pathogenic for Progressive familial intrahepatic cholestasis type 2. Review status: criteria provided, single submitter. Criteria: ACMG Guidelines, 2015. Collection method: clinical testing. Allele origin: germline. Affected: yes.

PreventionGenetics, part of Exact Sciences
Classification: Uncertain significance for ABCB11-related condition. Last evaluated: 2024-01-08. Review status: no assertion criteria provided. Collection method: clinical testing. Allele origin: germline. Not counted in ClinVar's aggregate classification.
Comment: The ABCB11 c.2095T>C variant is predicted to result in the amino acid substitution p.Ser699Pro. This variant has been reported in in two individuals with familial progressive intrahepatic cholestasis 2: one in the compound heterozygous state with a pathogenic variant and the second in the homozygous state (Davit-Spraul et al 2010. PubMed ID: 20232290; Bertoli-Avella AM et al 2020. PubMed ID: 32860008). This variant is reported in 0.0013% of alleles in individuals of European (Non-Finnish) descent in gnomAD and has conflicting interpretations regarding its pathogenicity in ClinVar, ranging from uncertain to likely pathogenic. Although we suspect this variant may be pathogenic, at this time, the clinical significance is uncertain due to the absence of conclusive functional and genetic evidence.

Literature cited by the submitters: PubMed 32860008 (cited by 4 submitters); PubMed 32087350 (cited by 3 submitters); PubMed 20232290 (cited by 4 submitters).

NM_003742.4(ABCB11):c.2095T>C (p.Ser699Pro)

Gene: ABCB11 (ATP binding cassette subfamily B member 11; minus strand). Cytogenetic location: 2q31.1.
Variant type: single nucleotide variant.
Coding change: c.2095T>C on transcript NM_003742.4 (MANE Select); coding-DNA position 2095, T replaced by C.
Protein change: p.Ser699Pro; replaces serine 699 with proline.
Molecular consequence: missense variant.
Genome position (GRCh38, 1-based): chr2:168,964,289, A>G on the plus strand (T>C on the coding strand, the complement: ABCB11 is on the minus strand). VCF-style: chr2-168964289-A-G. GRCh37 (hg19) VCF-style: chr2-169820799-A-G.
Other names: NM_003742.4(ABCB11):c.2095T>C; p.Ser699Pro; c.2095T>C, p.Ser699Pro (LRG_1199t1); short protein forms S699P.
Identifiers: ClinVar variation 595385 (VCV000595385.19), dbSNP rs867525294, ClinGen allele CA59876857.